The following is an entry in ClinVar:

NM_000059.4(BRCA2):c.5050_5065del (p.Thr1684fs)

Gene: BRCA2 (BRCA2 DNA repair associated; plus strand). Cytogenetic location: 13q13.1.
Variant type: Deletion.
Coding change: c.5050_5065del on transcript NM_000059.4 (MANE Select); coding-DNA positions 5050 to 5065, 16 bases deleted (ACTTCATTACTTGAAG).
Protein change: p.Thr1684fs; shifts the reading frame from threonine 1684.
Molecular consequence: frameshift variant.
Genome position (GRCh38, 1-based): chr13:32,339,405-32,339,420, ACTTCATTACTTGAAG deleted; deleting any 16 consecutive bases within chr13:32,339,403-32,339,420 gives the same sequence; the c. name uses the placement nearest the transcript's 3' end. VCF-style (leftmost placement, unchanged base first): chr13-32339402-CAGACTTCATTACTTGA-C. GRCh37 (hg19) VCF-style: chr13-32913539-CAGACTTCATTACTTGA-C.
Other names: 5278del16; short protein forms T1684fs.
Identifiers: ClinVar variation 266845 (VCV000266845.5), dbSNP rs886040562, ClinGen allele CA10589284.

ClinVar aggregate classification (germline): Pathogenic. Review status: reviewed by expert panel (3 of 4 stars). 2 submissions from 2 submitters: Pathogenic (1). 1 of the submissions does not count toward it. Last evaluated 2016-10-18.

Conditions:
Breast-ovarian cancer, familial, susceptibility to, 2 (BROVCA2). Also called: BRCA2 Hereditary Breast and Ovarian Cancer. Identifiers: Orphanet 145, MedGen C2675520, MONDO:0012933, OMIM 612555. Disease mechanism: loss of function.

Submissions (2):

Evidence-based Network for the Interpretation of Germline Mutant Alleles (ENIGMA)
Classification: Pathogenic for Breast-ovarian cancer, familial, susceptibility to, 2. Last evaluated: 2016-10-18. Review status: reviewed by expert panel. Criteria: ENIGMA BRCA1/2 Classification Criteria (2015). Collection method: curation. Allele origin: germline.
Comment: Variant allele predicted to encode a truncated non-functional protein.

Consortium of Investigators of Modifiers of BRCA1/2 (CIMBA), c/o University of Cambridge
Classification: Pathogenic for Breast-ovarian cancer, familial, susceptibility to, 2. Last evaluated: 2015-10-02. Review status: criteria provided, single submitter. Criteria: CIMBA Mutation Classification guidelines May 2016. Collection method: clinical testing. Allele origin: germline. Not counted in ClinVar's aggregate classification.